The following is an entry in ClinVar:

ClinVar aggregate classification (germline): Conflicting classifications of pathogenicity. Review status: criteria provided, conflicting classifications (1 of 4 stars). 3 submissions from 3 submitters: Uncertain significance (2); Likely benign (1). Last evaluated 2026-03-31.

Conditions:
Hereditary cancer-predisposing syndrome. Also called: Neoplastic Syndromes, Hereditary; Tumor predisposition; Hereditary Cancer Syndrome; Hereditary neoplastic syndrome. Identifiers: Orphanet 140162, MedGen C0027672, MeSH D009386, MONDO:0015356.
Hereditary breast ovarian cancer syndrome. Also called: Hereditary breast and ovarian cancer syndrome; Hereditary breast and ovarian cancer; Hereditary breast and/or ovarian cancer syndrome; Breast and ovarian cancer; BRCA1- and BRCA2-Associated Hereditary Breast and Ovarian Cancer; Hereditary breast and ovarian cancer syndrome (HBOC). Identifiers: Orphanet 145, MedGen C0677776, MeSH D061325, MONDO:0003582. Disease mechanism: loss of function.

Submissions (3):

Ambry Genetics
Classification: Uncertain significance for Hereditary cancer-predisposing syndrome. Last evaluated: 2026-03-31. Review status: criteria provided, single submitter. Criteria: Ambry Variant Classification Scheme 2023. Collection method: clinical testing. Allele origin: germline.
Comment: The p.L1335Q variant (also known as c.4004T>A), located in coding exon 9 of the BRCA1 gene, results from a T to A substitution at nucleotide position 4004. The leucine at codon 1335 is replaced by glutamine, an amino acid with dissimilar properties. This amino acid position is conserved. In addition, the in silico prediction for this alteration is inconclusive. Based on the available evidence, the clinical significance of this variant remains unclear.

University of Washington Department of Laboratory Medicine, University of Washington
Classification: Likely benign for Hereditary cancer-predisposing syndrome. Last evaluated: 2023-03-23. Review status: criteria provided, single submitter. Criteria: Dines et al. (Genet Med. 2020). Collection method: curation. Allele origin: germline.
Comment: Missense variant in a coldspot region where missense variants are very unlikely to be pathogenic (PMID:31911673).

BRCA1 coldspot (exon 11 using historical exon numbering). Reclassification based on statistical prior probability

Labcorp Genetics (formerly Invitae), Labcorp
Classification: Uncertain significance for Hereditary breast ovarian cancer syndrome. Last evaluated: 2022-03-13. Review status: criteria provided, single submitter. Criteria: Invitae Variant Classification Sherloc (09022015). Collection method: clinical testing. Allele origin: germline.
Comment: Advanced modeling of protein sequence and biophysical properties (such as structural, functional, and spatial information, amino acid conservation, physicochemical variation, residue mobility, and thermodynamic stability) performed at Invitae indicates that this missense variant is not expected to disrupt BRCA1 protein function. This variant has not been reported in the literature in individuals affected with BRCA1-related conditions. This variant is not present in population databases (gnomAD no frequency). This sequence change replaces leucine, which is neutral and non-polar, with glutamine, which is neutral and polar, at codon 1335 of the BRCA1 protein (p.Leu1335Gln). In summary, the available evidence is currently insufficient to determine the role of this variant in disease. Therefore, it has been classified as a Variant of Uncertain Significance.

NM_007294.4(BRCA1):c.4004T>A (p.Leu1335Gln)

Genes: BRCA1 (BRCA1 DNA repair associated; minus strand), LOC126862571 (BRD4-independent group 4 enhancer GRCh37_chr17:41243136-41244335; plus strand). Cytogenetic location: 17q21.31.
Variant type: single nucleotide variant.
Coding change: c.4004T>A on transcript NM_007294.4 (MANE Select); coding-DNA position 4004, T replaced by A.
Protein change: p.Leu1335Gln; replaces leucine 1335 with glutamine.
Molecular consequence: missense variant. On other transcripts: intron variant (135).
Genome position (GRCh38, 1-based): chr17:43,091,527, A>T on the plus strand (T>A on the coding strand, the complement: BRCA1 is on the minus strand). VCF-style: chr17-43091527-A-T. GRCh37 (hg19) VCF-style: chr17-41243544-A-T.
Other names: c.3881T>A, p.Leu1294Gln (NM_001407669.1, NM_001407674.1, NM_001407675.1 and 19 more transcripts); c.3878T>A, p.Leu1293Gln (NM_001407670.1, NM_001407671.1, NM_001407672.1 and 11 more transcripts); c.4004T>A, p.Leu1335Gln (NM_001407684.1, NM_001407854.1, NM_001407858.1 and 30 more transcripts); c.3863T>A, p.Leu1288Gln (NM_001407692.1, NM_001407694.1, NM_001407695.1 and 29 more transcripts); c.3860T>A, p.Leu1287Gln (NM_001407740.1, NM_001407741.1, NM_001407742.1 and 20 more transcripts); c.3791T>A, p.Leu1264Gln (NM_001407853.1, NM_001407894.1, NM_001407895.1 and 9 more transcripts); c.4001T>A, p.Leu1334Gln (NM_001407860.1, NM_001407861.1, NM_001407587.1 and 22 more transcripts); c.3803T>A, p.Leu1268Gln (NM_001407862.1); and 41 more; short protein forms L1268Q, L1288Q, L1308Q, L1309Q, L467Q, L1039Q, L1223Q, L1264Q.
Identifiers: ClinVar variation 2110986 (VCV002110986.7), dbSNP rs2154270099, ClinGen allele CA10593955.